The following is an entry in ClinVar:

ClinVar aggregate classification (germline): Likely pathogenic (1 of 4 stars; one submission).

Conditions:
Combined immunodeficiency with skin granulomas. Identifiers: Orphanet 157949, MedGen C2673536, MONDO:0009306, OMIM 233650.
Severe combined immunodeficiency, autosomal recessive, T cell-negative, B cell-negative, NK cell-positive. Also called: SCID, AR, T-cell negative, B-cell negative, NK cell-positive; SCID, T CELL-NEGATIVE, B CELL-NEGATIVE, NK CELL-POSITIVE; Severe combined immunodeficiency due to complete RAG1/2 deficiency. Identifiers: Orphanet 331206, MedGen C1832322, MONDO:0011086, OMIM 601457.

Submission:

Labcorp Genetics (formerly Invitae), Labcorp
Classification: Likely pathogenic for Combined immunodeficiency with skin granulomas; Severe combined immunodeficiency, autosomal recessive, T cell-negative, B cell-negative, NK cell-positive. Last evaluated: 2024-02-14. Review status: criteria provided, single submitter. Criteria: Invitae Variant Classification Sherloc (09022015). Collection method: clinical testing. Allele origin: germline.
Comment: This sequence change replaces tryptophan, which is neutral and slightly polar, with leucine, which is neutral and non-polar, at codon 317 of the RAG2 protein (p.Trp317Leu). This variant is not present in population databases (gnomAD no frequency). This missense change has been observed in individual(s) with clinical features of RAG2-related conditions (Invitae). Advanced modeling of protein sequence and biophysical properties (such as structural, functional, and spatial information, amino acid conservation, physicochemical variation, residue mobility, and thermodynamic stability) performed at Invitae indicates that this missense variant is expected to disrupt RAG2 protein function with a positive predictive value of 95%. This variant disrupts the p.Trp317 amino acid residue in RAG2. Other variant(s) that disrupt this residue have been determined to be pathogenic (Invitae). This suggests that this residue is clinically significant, and that variants that disrupt this residue are likely to be disease-causing. In summary, the currently available evidence indicates that the variant is pathogenic, but additional data are needed to prove that conclusively. Therefore, this variant has been classified as Likely Pathogenic.

NM_000536.4(RAG2):c.950G>T (p.Trp317Leu)

Gene: RAG2 (recombination activating 2; minus strand). Cytogenetic location: 11p12.
Variant type: single nucleotide variant.
Coding change: c.950G>T on transcript NM_000536.4 (MANE Select); coding-DNA position 950, G replaced by T.
Protein change: p.Trp317Leu; replaces tryptophan 317 with leucine.
Molecular consequence: missense variant.
Genome position (GRCh38, 1-based): chr11:36,593,219, C>A on the plus strand (G>T on the coding strand, the complement: RAG2 is on the minus strand). VCF-style: chr11-36593219-C-A. GRCh37 (hg19) VCF-style: chr11-36614769-C-A.
Other names: c.950G>T, p.Trp317Leu (NM_001243785.2, NM_001243786.2); short protein forms W317L.
Identifiers: ClinVar variation 3760516 (VCV003760516.2).